The following is an entry in ClinVar:

NM_004655.4(AXIN2):c.2141G>C (p.Arg714Pro)

Gene: AXIN2 (axin 2; minus strand). Cytogenetic location: 17q24.1.
Variant type: single nucleotide variant.
Coding change: c.2141G>C on transcript NM_004655.4 (MANE Select); coding-DNA position 2141, G replaced by C.
Protein change: p.Arg714Pro; replaces arginine 714 with proline.
Molecular consequence: missense variant.
Genome position (GRCh38, 1-based): chr17:65,536,320, C>G on the plus strand (G>C on the coding strand, the complement: AXIN2 is on the minus strand). VCF-style: chr17-65536320-C-G. GRCh37 (hg19) VCF-style: chr17-63532438-C-G.
Other names: c.1946G>C, p.Arg649Pro (NM_001363813.1); short protein forms R649P, R714P.
Identifiers: ClinVar variation 3814574 (VCV003814574.1).

ClinVar aggregate classification (germline): Uncertain significance (1 of 4 stars; one submission).

Conditions:
Hereditary cancer-predisposing syndrome. Also called: Hereditary neoplastic syndrome; Neoplastic Syndromes, Hereditary; Tumor predisposition; Hereditary Cancer Syndrome. Identifiers: Orphanet 140162, MedGen C0027672, MeSH D009386, MONDO:0015356.

gnomAD v4.1: 1 of 1,608,116 alleles (0.000062%); no homozygotes.

Submission:

Ambry Genetics
Classification: Uncertain significance for Hereditary cancer-predisposing syndrome. Last evaluated: 2025-02-21. Review status: criteria provided, single submitter. Criteria: Ambry Variant Classification Scheme 2023. Collection method: clinical testing. Allele origin: germline.
Comment: The p.R714P variant (also known as c.2141G>C), located in coding exon 7 of the AXIN2 gene, results from a G to C substitution at nucleotide position 2141. The amino acid change results in arginine to proline at codon 714, an amino acid with dissimilar properties. However, this change occurs in the last base pair of coding exon 7, which makes it likely to have some effect on normal mRNA splicing. This nucleotide position is highly conserved in available vertebrate species. In silico splice site analysis for this alteration is inconclusive. This amino acid position is highly conserved in available vertebrate species. In addition, as a missense substitution, the in silico analysis is inconclusive. Based on the available evidence, the clinical significance of this variant remains unclear.